The following is an entry in ClinVar:

ClinVar aggregate classification (germline): Uncertain significance (1 of 4 stars; one submission).

Conditions:
Hereditary cancer-predisposing syndrome. Also called: Hereditary neoplastic syndrome; Neoplastic Syndromes, Hereditary; Hereditary Cancer Syndrome; Tumor predisposition. Identifiers: Orphanet 140162, MedGen C0027672, MeSH D009386, MONDO:0015356.

Submission:

Labcorp Genetics (formerly Invitae), Labcorp
Classification: Uncertain significance for Hereditary cancer-predisposing syndrome. Last evaluated: 2022-04-08. Review status: criteria provided, single submitter. Criteria: Invitae Variant Classification Sherloc (09022015). Collection method: clinical testing. Allele origin: germline.
Comment: Algorithms developed to predict the effect of missense changes on protein structure and function are either unavailable or do not agree on the potential impact of this missense change (SIFT: "Deleterious"; PolyPhen-2: "Probably Damaging"; Align-GVGD: "Class C15"). This sequence change replaces serine, which is neutral and polar, with isoleucine, which is neutral and non-polar, at codon 128 of the RAD50 protein (p.Ser128Ile). This variant is not present in population databases (gnomAD no frequency). This variant has not been reported in the literature in individuals affected with RAD50-related conditions. In summary, the available evidence is currently insufficient to determine the role of this variant in disease. Therefore, it has been classified as a Variant of Uncertain Significance.

NM_005732.4(RAD50):c.383G>T (p.Ser128Ile)

Gene: RAD50 (RAD50 double strand break repair protein; plus strand). Cytogenetic location: 5q31.1.
Variant type: single nucleotide variant.
Coding change: c.383G>T on transcript NM_005732.4 (MANE Select); coding-DNA position 383, G replaced by T.
Protein change: p.Ser128Ile; replaces serine 128 with isoleucine.
Molecular consequence: missense variant.
Genome position (GRCh38, 1-based): chr5:132,579,334, G>T. VCF-style: chr5-132579334-G-T. GRCh37 (hg19) VCF-style: chr5-131915026-G-T.
Other names: short protein forms S128I.
Identifiers: ClinVar variation 1486523 (VCV001486523.6), dbSNP rs371727074, ClinGen allele CA360933417.